The following is an entry in ClinVar:

ClinVar aggregate classification (germline): Pathogenic (1 of 4 stars; one submission).

Conditions:
Epidermolysis bullosa simplex 3, localized or generalized intermediate, with BP230 deficiency (EBS3). Also called: Epidermolysis bullosa simplex, autosomal recessive 2; Epidermolysis bullosa simplex due to BP230 deficiency. Identifiers: Orphanet 412181, MedGen C3809470, MONDO:0014180, OMIM 615425.
Hereditary sensory and autonomic neuropathy type 6. Also called: Neuropathy, hereditary sensory and autonomic, type VI; HSAN VI. Identifiers: Orphanet 314381, MedGen C3539003, MONDO:0013839, OMIM 614653.

Submission:

Labcorp Genetics (formerly Invitae), Labcorp
Classification: Pathogenic for Epidermolysis bullosa simplex 3, localized or generalized intermediate, with BP230 deficiency; Hereditary sensory and autonomic neuropathy type 6. Last evaluated: 2023-07-06. Review status: criteria provided, single submitter. Criteria: Invitae Variant Classification Sherloc (09022015). Collection method: clinical testing. Allele origin: germline.
Comment: For these reasons, this variant has been classified as Pathogenic. This variant has not been reported in the literature in individuals affected with DST-related conditions. This variant is not present in population databases (gnomAD no frequency). This sequence change creates a premature translational stop signal (p.Ser182*) in the DST gene. It is expected to result in an absent or disrupted protein product. Loss-of-function variants in DST are known to be pathogenic (PMID: 22522446, 25059916, 30371979).

Literature cited by the submitters: PubMed 22522446; PubMed 25059916; PubMed 30371979.

NM_001374736.1(DST):c.2156C>G (p.Ser719Ter)

Gene: DST (dystonin; minus strand). Cytogenetic location: 6p12.1.
Variant type: single nucleotide variant.
Coding change: c.2156C>G on transcript NM_001374736.1 (MANE Select); coding-DNA position 2156, C replaced by G.
Protein change: p.Ser719Ter; replaces serine 719 with a stop codon.
Molecular consequence: nonsense.
Genome position (GRCh38, 1-based): chr6:56,640,477, G>C on the plus strand (C>G on the coding strand, the complement: DST is on the minus strand). VCF-style: chr6-56640477-G-C. GRCh37 (hg19) VCF-style: chr6-56505275-G-C.
Other names: c.2057C>G, p.Ser686Ter (NM_001144769.5); c.1643C>G, p.Ser548Ter (NM_001144770.2); c.2156C>G, p.Ser719Ter (NM_001374722.1); c.1523C>G, p.Ser508Ter (NM_001374729.1, NM_001374730.1, NM_001386100.1 and 1 more transcripts); c.2183C>G, p.Ser728Ter (NM_001374734.1); c.545C>G, p.Ser182Ter (NM_001723.7, NM_015548.5); short protein forms S182*, S686*, S728*, S548*, S508*, S719*.
Identifiers: ClinVar variation 2949578 (VCV002949578.3), dbSNP rs2537169914, ClinGen allele CA364578924.